The following is an entry in ClinVar:

ClinVar aggregate classification (germline): Uncertain significance (1 of 4 stars; one submission).

Allele frequency attached by ClinVar (database versions not stated): gnomAD exomes below 0.00001 and 0.00001; gnomAD 0.00001; TOPMed 0.00002.
gnomAD v4.1: 17 of 1,591,392 alleles (0.0011%); highest among the groups gnomAD compares: African/African-American, 0.0013%; no homozygotes.

Submission:

Labcorp Genetics (formerly Invitae), Labcorp
Classification: Uncertain significance. Last evaluated: 2022-03-04. Review status: criteria provided, single submitter. Criteria: Invitae Variant Classification Sherloc (09022015). Collection method: clinical testing. Allele origin: germline.
Comment: In summary, the available evidence is currently insufficient to determine the role of this variant in disease. Therefore, it has been classified as a Variant of Uncertain Significance. Algorithms developed to predict the effect of missense changes on protein structure and function (SIFT, PolyPhen-2, Align-GVGD) all suggest that this variant is likely to be disruptive. This variant has not been reported in the literature in individuals affected with RCBTB1-related conditions. The frequency data for this variant in the population databases is considered unreliable, as metrics indicate poor data quality at this position in the gnomAD database. This sequence change replaces valine, which is neutral and non-polar, with glutamic acid, which is acidic and polar, at codon 227 of the RCBTB1 protein (p.Val227Glu).

NM_018191.4(RCBTB1):c.680T>A (p.Val227Glu)

Gene: RCBTB1 (RCC1 and BTB domain containing protein 1; minus strand). Cytogenetic location: 13q14.2.
Variant type: single nucleotide variant.
Coding change: c.680T>A on transcript NM_018191.4 (MANE Select); coding-DNA position 680, T replaced by A.
Protein change: p.Val227Glu; replaces valine 227 with glutamic acid.
Molecular consequence: missense variant. On other transcripts: non-coding transcript variant (2).
Genome position (GRCh38, 1-based): chr13:49,552,209, A>T on the plus strand (T>A on the coding strand, the complement: RCBTB1 is on the minus strand). VCF-style: chr13-49552209-A-T. GRCh37 (hg19) VCF-style: chr13-50126345-A-T.
Other names: c.680T>A, p.Val227Glu (NM_001352503.2, NM_001352504.2, NM_001352505.2 and 3 more transcripts); c.101T>A, p.Val34Glu (NM_001352506.2); short protein forms V227E, V34E.
Identifiers: ClinVar variation 1444309 (VCV001444309.5), dbSNP rs1455769067, ClinGen allele CA388190864.